The following is an entry in ClinVar:

ClinVar aggregate classification (germline): Pathogenic/Likely pathogenic. Review status: criteria provided, multiple submitters, no conflicts (2 of 4 stars). 2 submissions from 2 submitters: Pathogenic (1); Likely pathogenic (1). Last evaluated 2026-01-13.

Conditions:
Developmental and epileptic encephalopathy, 48 (DEE48). Also called: Epileptic encephalopathy, early infantile, 48. Identifiers: MedGen C4310637, MONDO:0015000, OMIM 617276.

Submissions (2):

Labcorp Genetics (formerly Invitae), Labcorp
Classification: Pathogenic. Last evaluated: 2026-01-13. Review status: criteria provided, single submitter. Criteria: Invitae Variant Classification Sherloc (09022015). Collection method: clinical testing. Allele origin: germline.
Comment: This sequence change creates a premature translational stop signal (p.Gln820*) in the AP3B2 gene. It is expected to result in an absent or disrupted protein product. Loss-of-function variants in AP3B2 are known to be pathogenic (PMID: 27889060). This variant is not present in population databases (gnomAD no frequency). This variant has not been reported in the literature in individuals affected with AP3B2-related conditions. ClinVar contains an entry for this variant (Variation ID: 1457064). Algorithms developed to predict the effect of sequence changes on RNA splicing suggest that this variant may disrupt the consensus splice site. For these reasons, this variant has been classified as Pathogenic.

Department of Pathology and Laboratory Medicine, Sinai Health System
Classification: Likely pathogenic for Developmental and epileptic encephalopathy, 48. Last evaluated: 2023-02-01. Review status: criteria provided, single submitter. Criteria: ACMG Guidelines, 2015. Collection method: research. Allele origin: germline.

Literature cited by the submitters: PubMed 27889060 (cited by Labcorp Genetics (formerly Invitae), Labcorp).

NM_001278512.2(AP3B2):c.2515C>T (p.Gln839Ter)

Genes: AP3B2 (adaptor related protein complex 3 subunit beta 2; minus strand), CPEB1-AS1 (CPEB1 antisense RNA 1; plus strand), LOC113939947 (Sharpr-MPRA regulatory region 5793; plus strand). Cytogenetic location: 15q25.2.
Variant type: single nucleotide variant.
Coding change: c.2515C>T on transcript NM_001278512.2 (MANE Select); coding-DNA position 2515, C replaced by T.
Protein change: p.Gln839Ter; replaces glutamine 839 with a stop codon.
Molecular consequence: nonsense.
Genome position (GRCh38, 1-based): chr15:82,663,216, G>A on the plus strand (C>T on the coding strand, the complement: AP3B2 is on the minus strand). VCF-style: chr15-82663216-G-A. GRCh37 (hg19) VCF-style: chr15-83331968-G-A.
Other names: c.2362C>T, p.Gln788Ter (NM_001278511.2); c.2458C>T, p.Gln820Ter (NM_004644.5); short protein forms Q839*, Q788*, Q820*.
Identifiers: ClinVar variation 1457064 (VCV001457064.7), dbSNP rs2151428040, ClinGen allele CA393309831.
Genomic context (GRCh38, chr15:82,663,216, plus strand): 5'-TCAGGCCCTCCAGGTCAGCAGCCAGACTGGTAGACACAATTGCTGGGGGAGACACAGGCT[G>A]GACACTGGGAGGGGTGACTGTGGGAGTAGATAAGACTATGAGGAGGCAAAGTGGAGGTGG-3'